The following is an entry in ClinVar:

ClinVar aggregate classification (germline): Pathogenic (1 of 4 stars; one submission).

Conditions:
Inborn genetic diseases. Identifiers: MedGen C0950123, MeSH D030342.

Submission:

Ambry Genetics
Classification: Pathogenic for Inborn genetic diseases. Last evaluated: 2026-08-13. Review status: criteria provided, single submitter. Criteria: Ambry Variant Classification Scheme 2023. Collection method: clinical testing. Allele origin: germline.
Comment: The c.2996dupC (p.W1000Vfs*18) alteration, located in exon 9 (coding exon 7) of the ANKRD11 gene, consists of a duplication of C at position 2996, causing a translational frameshift with a predicted alternate stop codon after 18 amino acids. This variant is expected to result in loss of function by premature protein truncation or nonsense-mediated mRNA decay. This variant was not reported in population-based cohorts in the Genome Aggregation Database (gnomAD). Based on the available evidence, this alteration is classified as pathogenic.

NM_013275.6(ANKRD11):c.2996dup (p.Trp1000fs)

Gene: ANKRD11 (ankyrin repeat domain 11; minus strand). Cytogenetic location: 16q24.3.
Variant type: Duplication.
Coding change: c.2996dup on transcript NM_013275.6 (MANE Select); coding-DNA position 2996, one base duplicated (C; older notation c.2996dupC).
Protein change: p.Trp1000fs; shifts the reading frame from tryptophan 1000.
Molecular consequence: frameshift variant.
Genome position (GRCh38, 1-based): chr16:89,283,546, G duplicated on the plus strand (C on the coding strand, the reverse complement: ANKRD11 is on the minus strand); the first of 2 consecutive G bases (chr16:89,283,546-89,283,547); duplicating either gives the same sequence. VCF-style (leftmost placement, unchanged base first): chr16-89283545-C-CG. GRCh37 (hg19) VCF-style: chr16-89349953-C-CG.
Other names: c.2996dup, p.Trp1000fs (NM_001256182.2, NM_001256183.2); short protein forms W1000fs.
Identifiers: ClinVar variation 5022607 (VCV005022607.1).
Genomic context (GRCh38, chr16:89,283,545, plus strand): 5'-CCTTTCCTTATCGGGGCCATCCTTCTTCTCCTTCTCTCGTGCTGGGTGGTGCCGTTCCCA[C>CG]GGCTCCAGGCCCTTCCCAAAGTCGCCGTCGGACTTGTCCTTGAAGCCACTCTCGCAGCCA-3'